The following is an entry in ClinVar:

ClinVar aggregate classification (germline): Pathogenic (1 of 4 stars; one submission).

Submission:

Labcorp Genetics (formerly Invitae), Labcorp
Classification: Pathogenic. Last evaluated: 2022-04-08. Review status: criteria provided, single submitter. Criteria: Invitae Variant Classification Sherloc (09022015). Collection method: clinical testing. Allele origin: germline.
Comment: For these reasons, this variant has been classified as Pathogenic. This variant has not been reported in the literature in individuals affected with ACAD9-related conditions. This variant is not present in population databases (gnomAD no frequency). This sequence change creates a premature translational stop signal (p.Leu494Cysfs*8) in the ACAD9 gene. It is expected to result in an absent or disrupted protein product. Loss-of-function variants in ACAD9 are known to be pathogenic (PMID: 25721401).

Literature cited by the submitters: PubMed 25721401.

NM_014049.5(ACAD9):c.1476_1477del (p.Leu494fs)

Gene: ACAD9 (acyl-CoA dehydrogenase family member 9; plus strand). Cytogenetic location: 3q21.3.
Variant type: Deletion.
Coding change: c.1476_1477del on transcript NM_014049.5 (MANE Select); coding-DNA positions 1476 to 1477, 2 bases deleted (CA; older notation c.1476_1477delCA).
Protein change: p.Leu494fs; shifts the reading frame from leucine 494.
Molecular consequence: frameshift variant. On other transcripts: non-coding transcript variant (1).
Genome position (GRCh38, 1-based): chr3:128,909,090-128,909,091, CA deleted. VCF-style (leftmost placement, unchanged base first): chr3-128909089-CCA-C. GRCh37 (hg19) VCF-style: chr3-128627932-CCA-C.
Other names: c.1107_1108delCA, p.Leu371Cysfs (NM_001410805.1); short protein forms L494fs.
Identifiers: ClinVar variation 2059581 (VCV002059581.4), dbSNP rs2529279370, ClinGen allele CA2580068740.